The following is an entry in ClinVar:

ClinVar aggregate classification (germline): Uncertain significance (1 of 4 stars; one submission).

Conditions:
Hypertrophic cardiomyopathy. Also called: HYPERTROPHIC MYOCARDIOPATHY. Identifiers: Orphanet 217569, MedGen C0007194, MeSH D002312, MONDO:0005045, HP:0001639.

Submission:

Labcorp Genetics (formerly Invitae), Labcorp
Classification: Uncertain significance for Hypertrophic cardiomyopathy. Last evaluated: 2019-09-22. Review status: criteria provided, single submitter. Criteria: Invitae Variant Classification Sherloc (09022015). Collection method: clinical testing. Allele origin: germline.
Comment: In summary, the available evidence is currently insufficient to determine the role of this variant in disease. Therefore, it has been classified as a Variant of Uncertain Significance. Algorithms developed to predict the effect of missense changes on protein structure and function are either unavailable or do not agree on the potential impact of this missense change (SIFT: "Deleterious"; PolyPhen-2: "Benign"; Align-GVGD: "Class C0"). This variant has not been reported in the literature in individuals with MYH7-related conditions. This variant is not present in population databases (ExAC no frequency). This sequence change replaces alanine with glycine at codon 1549 of the MYH7 protein (p.Ala1549Gly). The alanine residue is highly conserved and there is a small physicochemical difference between alanine and glycine.

NM_000257.4(MYH7):c.4646C>G (p.Ala1549Gly)

Genes: MHRT (myosin heavy chain associated RNA transcript; plus strand), MYH7 (myosin heavy chain 7; minus strand), LOC126861897 (BRD4-independent group 4 enhancer GRCh37_chr14:23884455-23885654; plus strand). Cytogenetic location: 14q11.2.
Variant type: single nucleotide variant.
Coding change: c.4646C>G on transcript NM_000257.4 (MANE Select); coding-DNA position 4646, C replaced by G.
Protein change: p.Ala1549Gly; replaces alanine 1549 with glycine.
Molecular consequence: missense variant.
Genome position (GRCh38, 1-based): chr14:23,416,311, G>C on the plus strand (C>G on the coding strand, the complement: MYH7 is on the minus strand). VCF-style: chr14-23416311-G-C. GRCh37 (hg19) VCF-style: chr14-23885520-G-C.
Other names: short protein forms A1549G.
Identifiers: ClinVar variation 956885 (VCV000956885.10), dbSNP rs1892208700, ClinGen allele CA389037940.